The following is an entry in ClinVar:

ClinVar aggregate classification (germline): Uncertain significance (1 of 4 stars; one submission).

Conditions:
Inborn genetic diseases. Identifiers: MedGen C0950123, MeSH D030342.

Submission:

Ambry Genetics
Classification: Uncertain significance for Inborn genetic diseases. Last evaluated: 2021-03-24. Review status: criteria provided, single submitter. Criteria: Ambry Variant Classification Scheme 2023. Collection method: clinical testing. Allele origin: germline.
Comment: The c.307T>G (p.S103A) alteration is located in exon 1 (coding exon 1) of the SPAST gene. This alteration results from a T to G substitution at nucleotide position 307, causing the serine (S) at amino acid position 103 to be replaced by an alanine (A). The p.S103A alteration is predicted to be tolerated by in silico analysis. Based on insufficient or conflicting evidence, the clinical significance of this alteration remains unclear.

NM_014946.4(SPAST):c.307T>G (p.Ser103Ala)

Gene: SPAST (spastin; plus strand). Cytogenetic location: 2p22.3.
Variant type: single nucleotide variant.
Coding change: c.307T>G on transcript NM_014946.4 (MANE Select); coding-DNA position 307, T replaced by G.
Protein change: p.Ser103Ala; replaces serine 103 with alanine.
Molecular consequence: missense variant.
Genome position (GRCh38, 1-based): chr2:32,064,138, T>G. VCF-style: chr2-32064138-T-G. GRCh37 (hg19) VCF-style: chr2-32289207-T-G.
Other names: c.307T>G, p.Ser103Ala (NM_001363823.2, NM_001363875.2, NM_001377959.1 and 1 more transcripts); short protein forms S103A.
Identifiers: ClinVar variation 2406778 (VCV002406778.2), dbSNP rs1054078640, ClinGen allele CA346602217.